The following is an entry in ClinVar:

NM_000540.3(RYR1):c.12066G>A (p.Met4022Ile)

Gene: RYR1 (ryanodine receptor 1; plus strand). Cytogenetic location: 19q13.2.
Variant type: single nucleotide variant.
Coding change: c.12066G>A on transcript NM_000540.3 (MANE Select); coding-DNA position 12066, G replaced by A.
Protein change: p.Met4022Ile; replaces methionine 4022 with isoleucine.
Molecular consequence: missense variant.
Genome position (GRCh38, 1-based): chr19:38,546,498, G>A. VCF-style: chr19-38546498-G-A. GRCh37 (hg19) VCF-style: chr19-39037138-G-A.
Other names: c.12051G>A, p.Met4017Ile (NM_001042723.2); short protein forms M4017I, M4022I.
Identifiers: ClinVar variation 3072022 (VCV003072022.1), dbSNP rs2514591844, ClinGen allele CA405664022.

ClinVar aggregate classification (germline): Uncertain significance (1 of 4 stars; one submission).

Conditions:
Malignant hyperthermia, susceptibility to, 1 (MHS1). Also called: Anesthesia related hyperthermia; Malignant hyperpyrexia; Fulminating hyperpyrexia; Pharmacogenic myopathy; RYR1-Related Malignant Hyperthermia Susceptibility; Malignant hyperthermia suceptibility 1. Identifiers: Orphanet 423, MedGen C2930980, MONDO:0007783, OMIM 145600.

Submission:

All of Us Research Program, National Institutes of Health
Classification: Uncertain significance for Malignant hyperthermia, susceptibility to, 1. Last evaluated: 2023-11-30. Review status: criteria provided, single submitter. Criteria: ACMG Guidelines, 2015. Collection method: clinical testing. Allele origin: germline. Inheritance: Autosomal dominant inheritance. Observed: 2 variant alleles, 2 heterozygotes.
Comment: This missense variant replaces methionine with isoleucine at codon 4022 of the RYR1 protein. Computational prediction suggests that this variant may not impact protein structure and function (internally defined REVEL score threshold <= 0.5, PMID: 27666373). To our knowledge, functional studies have not been reported for this variant. This variant has not been reported in individuals affected with RYR1-related disorders in the literature. This variant has not been identified in the general population by the Genome Aggregation Database (gnomAD). The available evidence is insufficient to determine the role of this variant in disease conclusively. Therefore, this variant is classified as a Variant of Uncertain Significance.

This study involves interpretation of variants in research participants for the purpose of population health screening. Participant phenotype was not available at the time of variant classification. Additional details can be found in publication PMID: 35346344, PMCID: PMC8962531